The following is an entry in ClinVar:

NM_213622.4(STAMBP):c.508C>T (p.Arg170Trp)

Gene: STAMBP (STAM binding protein; plus strand). Cytogenetic location: 2p13.1.
Variant type: single nucleotide variant.
Coding change: c.508C>T on transcript NM_213622.4 (MANE Select); coding-DNA position 508, C replaced by T.
Protein change: p.Arg170Trp; replaces arginine 170 with tryptophan.
Molecular consequence: missense variant. On other transcripts: non-coding transcript variant (4).
Genome position (GRCh38, 1-based): chr2:73,847,519, C>T. VCF-style: chr2-73847519-C-T. GRCh37 (hg19) VCF-style: chr2-74074646-C-T.
Other names: c.508C>T, p.Arg170Trp (NM_001353967.2, NM_001353968.2, NM_001353969.2 and 3 more transcripts); c.103C>T, p.Arg35Trp (NM_001353971.2, NM_001353972.2, NM_001353973.2 and 3 more transcripts); c.508C>T (NM_213622.2); short protein forms R170W, R35W.
Identifiers: ClinVar variation 1918035 (VCV001918035.5), dbSNP rs774517823, ClinGen allele CA1717565.

ClinVar aggregate classification (germline): Uncertain significance. Review status: criteria provided, multiple submitters, no conflicts (2 of 4 stars). 2 submissions from 2 submitters: Uncertain significance (2). Last evaluated 2024-11-05.

Conditions:
Inborn genetic diseases. Identifiers: MedGen C0950123, MeSH D030342.

Allele frequency attached by ClinVar (database versions not stated): ExAC 0.00001; gnomAD 0.00002.
gnomAD v4.1: 38 of 1,613,984 alleles (0.0024%); highest among the groups gnomAD compares: Middle Eastern, 0.016%; no homozygotes.

Submissions (2):

Labcorp Genetics (formerly Invitae), Labcorp
Classification: Uncertain significance. Last evaluated: 2024-11-05. Review status: criteria provided, single submitter. Criteria: Invitae Variant Classification Sherloc (09022015). Collection method: clinical testing. Allele origin: germline.
Comment: This sequence change replaces arginine, which is basic and polar, with tryptophan, which is neutral and slightly polar, at codon 170 of the STAMBP protein (p.Arg170Trp). This variant is present in population databases (rs774517823, gnomAD 0.003%). This variant has not been reported in the literature in individuals affected with STAMBP-related conditions. ClinVar contains an entry for this variant (Variation ID: 1918035). Invitae Evidence Modeling of protein sequence and biophysical properties (such as structural, functional, and spatial information, amino acid conservation, physicochemical variation, residue mobility, and thermodynamic stability) indicates that this missense variant is expected to disrupt STAMBP protein function with a positive predictive value of 95%. In summary, the available evidence is currently insufficient to determine the role of this variant in disease. Therefore, it has been classified as a Variant of Uncertain Significance.

Ambry Genetics
Classification: Uncertain significance for Inborn genetic diseases. Last evaluated: 2024-02-28. Review status: criteria provided, single submitter. Criteria: Ambry Variant Classification Scheme 2023. Collection method: clinical testing. Allele origin: germline.